The following is an entry in ClinVar:

ClinVar aggregate classification (germline): Uncertain significance (1 of 4 stars; one submission).

Conditions:
Familial cold autoinflammatory syndrome 3 (FCAS3). Also called: FAMILIAL ATYPICAL COLD URTICARIA; ANTIBODY DEFICIENCY AND IMMUNE DYSREGULATION, PLCG2-ASSOCIATED. Identifiers: Orphanet 300359, MedGen C3280914, MONDO:0013766, OMIM 614468.

Submission:

Labcorp Genetics (formerly Invitae), Labcorp
Classification: Uncertain significance for Familial cold autoinflammatory syndrome 3. Last evaluated: 2025-12-15. Review status: criteria provided, single submitter. Criteria: Invitae Variant Classification Sherloc (09022015). Collection method: clinical testing. Allele origin: germline.
Comment: This sequence change replaces phenylalanine, which is neutral and non-polar, with valine, which is neutral and non-polar, at codon 1235 of the PLCG2 protein (p.Phe1235Val). This variant is not present in population databases (gnomAD no frequency). This variant has not been reported in the literature in individuals affected with PLCG2-related conditions. An algorithm developed to predict the effect of missense changes on protein structure and function (PolyPhen-2) suggests that this variant is likely to be tolerated. In summary, the available evidence is currently insufficient to determine the role of this variant in disease. Therefore, it has been classified as a Variant of Uncertain Significance.

NM_002661.5(PLCG2):c.3703T>G (p.Phe1235Val)

Gene: PLCG2 (phospholipase C gamma 2; plus strand). Cytogenetic location: 16q23.3.
Variant type: single nucleotide variant.
Coding change: c.3703T>G on transcript NM_002661.5 (MANE Select); coding-DNA position 3703, T replaced by G.
Protein change: p.Phe1235Val; replaces phenylalanine 1235 with valine.
Molecular consequence: missense variant.
Genome position (GRCh38, 1-based): chr16:81,956,827, T>G. VCF-style: chr16-81956827-T-G. GRCh37 (hg19) VCF-style: chr16-81990432-T-G.
Other names: c.3703T>G, p.Phe1235Val (NM_001425749.1, NM_001425750.1, NM_001425751.1); short protein forms F1235V.
Identifiers: ClinVar variation 4732819 (VCV004732819.1).